The following is an entry in ClinVar:

NM_016938.5(EFEMP2):c.382G>A (p.Ala128Thr)

Gene: EFEMP2 (EGF containing fibulin extracellular matrix protein 2; minus strand). Cytogenetic location: 11q13.1.
Variant type: single nucleotide variant.
Coding change: c.382G>A on transcript NM_016938.5 (MANE Select); coding-DNA position 382, G replaced by A.
Protein change: p.Ala128Thr; replaces alanine 128 with threonine.
Molecular consequence: missense variant. On other transcripts: non-coding transcript variant (1).
Genome position (GRCh38, 1-based): chr11:65,870,644, C>T on the plus strand (G>A on the coding strand, the complement: EFEMP2 is on the minus strand). VCF-style: chr11-65870644-C-T. GRCh37 (hg19) VCF-style: chr11-65638115-C-T.
Other names: short protein forms A128T.
Identifiers: ClinVar variation 3274659 (VCV003274659.1).

ClinVar aggregate classification (germline): Uncertain significance (1 of 4 stars; one submission).

Conditions:
Cardiovascular phenotype. Identifiers: MedGen CN230736.

Submission:

Ambry Genetics
Classification: Uncertain significance for Cardiovascular phenotype. Last evaluated: 2024-04-09. Review status: criteria provided, single submitter. Criteria: Ambry Variant Classification Scheme 2023. Collection method: clinical testing. Allele origin: germline.
Comment: The p.A128T variant (also known as c.382G>A), located in coding exon 4 of the EFEMP2 gene, results from a G to A substitution at nucleotide position 382. The alanine at codon 128 is replaced by threonine, an amino acid with similar properties. This amino acid position is conserved. In addition, this alteration is predicted to be tolerated by in silico analysis. Based on the available evidence, the clinical significance of this variant remains unclear.